The following is an entry in ClinVar:

ClinVar aggregate classification (germline): Benign. Review status: criteria provided, multiple submitters, no conflicts (2 of 4 stars). 8 submissions from 8 submitters: Benign (6). 2 of the submissions do not count toward it. Last evaluated 2026-02-04.

Conditions:
RIN2 syndrome. Also called: TALL FOREHEAD, SPARSE HAIR, SKIN HYPEREXTENSIBILITY, AND SCOLIOSIS; MACS SYNDROME. Identifiers: Orphanet 217335, MedGen C2751321, MONDO:0013115, OMIM 613075.

Allele frequency attached by ClinVar (database versions not stated): gnomAD exomes 0.36798 and 0.32448; TOPMed 0.38245; ExAC 0.40763; 1000 Genomes Project 30x 0.41115; 1000 Genomes Project 0.41394; ESP Exome Variant Server 0.32524; gnomAD 0.35224 and 0.35395.
gnomAD v4.1: 523,551 of 1,596,974 alleles (33%); highest among the groups gnomAD compares: East Asian, 74%; 92,739 homozygotes.

Submissions (8):

Labcorp Genetics (formerly Invitae), Labcorp
Classification: Benign. Last evaluated: 2026-02-04. Review status: criteria provided, single submitter. Criteria: Invitae Variant Classification Sherloc (09022015). Collection method: clinical testing. Allele origin: germline.

Blueprint Genetics
Classification: Benign. Last evaluated: 2024-11-28. Review status: criteria provided, single submitter. Criteria: ACMG Guidelines, 2015. Collection method: clinical testing. Allele origin: germline.

Genome-Nilou Lab
Classification: Benign for RIN2 syndrome. Last evaluated: 2021-11-07. Review status: criteria provided, single submitter. Criteria: ACMG Guidelines, 2015. Collection method: clinical testing. Allele origin: germline. Affected: no.

GeneDx
Classification: Benign. Last evaluated: 2016-09-29. Review status: criteria provided, single submitter. Criteria: GeneDx Variant Classification (06012015). Collection method: clinical testing. Allele origin: germline. Affected: yes.
Comment: This variant is considered likely benign or benign based on one or more of the following criteria: it is a conservative change, it occurs at a poorly conserved position in the protein, it is predicted to be benign by multiple in silico algorithms, and/or has population frequency not consistent with disease.

Breakthrough Genomics
Classification: Benign. Review status: criteria provided, single submitter. Criteria: ACMG Guidelines, 2015. Collection method: not provided. Allele origin: germline. Inheritance: Autosomal recessive inheritance. Affected: yes.

PreventionGenetics, part of Exact Sciences
Classification: Benign. Review status: criteria provided, single submitter. Criteria: ACMG Guidelines, 2015. Collection method: clinical testing. Allele origin: germline.

Genome Diagnostics Laboratory, Amsterdam University Medical Center
Classification: Benign. Review status: no assertion criteria provided. Collection method: clinical testing. Allele origin: germline. Affected: yes. Study: VKGL Data-share Consensus. Not counted in ClinVar's aggregate classification.

Joint Genome Diagnostic Labs from Nijmegen and Maastricht, Radboudumc and MUMC+
Classification: Benign. Review status: no assertion criteria provided. Collection method: clinical testing. Allele origin: germline. Affected: yes. Study: VKGL Data-share Consensus. Not counted in ClinVar's aggregate classification.

NM_018993.4(RIN2):c.1818C>T (p.His606=)

Gene: RIN2 (Ras and Rab interactor 2; plus strand). Cytogenetic location: 20p11.23.
Variant type: single nucleotide variant.
Coding change: c.1818C>T on transcript NM_018993.4 (MANE Select); coding-DNA position 1818, C replaced by T.
Protein change: p.His606=; no amino-acid change (histidine 606 retained).
Molecular consequence: synonymous variant.
Genome position (GRCh38, 1-based): chr20:19,990,061, C>T. VCF-style: chr20-19990061-C-T. GRCh37 (hg19) VCF-style: chr20-19970705-C-T.
Other names: c.1965C>T, p.His655= (NM_001242581.2); c.1200C>T, p.His400= (NM_001378238.1).
Identifiers: ClinVar variation 257654 (VCV000257654.17), dbSNP rs2076584, ClinGen allele CA9780152.